The following is an entry in ClinVar:

NM_205861.3(DHDDS):c.102C>A (p.Asp34Glu)

Gene: DHDDS (dehydrodolichyl diphosphate synthase subunit; plus strand). Cytogenetic location: 1p36.11.
Variant type: single nucleotide variant.
Coding change: c.102C>A on transcript NM_205861.3 (MANE Select); coding-DNA position 102, C replaced by A.
Protein change: p.Asp34Glu; replaces aspartic acid 34 with glutamic acid.
Molecular consequence: missense variant. On other transcripts: 5 prime UTR variant (1).
Genome position (GRCh38, 1-based): chr1:26,438,206, C>A. VCF-style: chr1-26438206-C-A. GRCh37 (hg19) VCF-style: chr1-26764697-C-A.
Other names: c.102C>A, p.Asp34Glu (NM_001243564.2, NM_001243565.2, NM_024887.4); c.-201C>A (NM_001319959.2); short protein forms D34E.
Identifiers: ClinVar variation 3256789 (VCV003256789.1).

ClinVar aggregate classification (germline): Likely pathogenic (0 of 4 stars; one submission).

Conditions:
Retinitis pigmentosa 59 (RP59). Identifiers: Orphanet 791, MedGen C3151227, MONDO:0013468, OMIM 613861.

Submission:

Solve-RD Consortium
Classification: Likely pathogenic for Retinitis pigmentosa 59. Last evaluated: 2022-06-01. Review status: no assertion criteria provided. Collection method: provider interpretation. Allele origin: de novo. Affected: yes.
Comment: Variant confirmed as disease-causing by referring clinical team

Variant identified during reanalysis of unsolved cases by the Solve-RD project. The Solve-RD project has received funding from the European Union’s Horizon 2020 research and innovation programme under grant agreement No 779257.

Literature cited by the submitters: PubMed 39825153.